The following is an entry in ClinVar:

NM_001040142.2(SCN2A):c.4466T>G (p.Phe1489Cys)

Gene: SCN2A (sodium voltage-gated channel alpha subunit 2; plus strand). Cytogenetic location: 2q24.3.
Variant type: single nucleotide variant.
Coding change: c.4466T>G on transcript NM_001040142.2 (MANE Select); coding-DNA position 4466, T replaced by G.
Protein change: p.Phe1489Cys; replaces phenylalanine 1489 with cysteine.
Molecular consequence: missense variant.
Genome position (GRCh38, 1-based): chr2:165,381,112, T>G. VCF-style: chr2-165381112-T-G. GRCh37 (hg19) VCF-style: chr2-166237622-T-G.
Other names: c.4466T>G, p.Phe1489Cys (NM_001040143.2, NM_001371246.1, NM_001371247.1 and 1 more transcripts); short protein forms F1489C.
Identifiers: ClinVar variation 976140 (VCV000976140.2), dbSNP rs1701579531, ClinGen allele CA349034585.
Genomic context (GRCh38, chr2:165,381,112, plus strand): 5'-AAAGAACACAATTTTAACAAGTGTTGCTTTCATTTCTTTACTTTGGAGGTCAAGACATTT[T>G]TATGACAGAAGAACAGAAGAAATACTACAATGCAATGAAAAAACTGGGTTCAAAGAAACC-3'
Protein context (NP_001035232.1, residues 1479-1499): QKKKFGGQDI[Phe1489Cys]MTEEQKKYYN

ClinVar aggregate classification (germline): Likely pathogenic. Review status: criteria provided, multiple submitters, no conflicts (2 of 4 stars). 2 submissions from 2 submitters: Likely pathogenic (2). Last evaluated 2025-11-06.

Conditions:
Developmental and epileptic encephalopathy, 11 (DEE11). Also called: Early infantile epileptic encephalopathy 11. Identifiers: Orphanet 1934, MedGen C3150987, MONDO:0013388, OMIM 613721.
SCN2A-related disorder. Also called: SCN2A-related condition; SCN2A-related disorders. Identifiers: MedGen CN382226, MONDO:1060245.

Submissions (2):

3billion
Classification: Likely pathogenic for SCN2A-related disorder. Last evaluated: 2025-11-06. Review status: criteria provided, single submitter. Criteria: ACMG Guidelines, 2015. Collection method: clinical testing. Allele origin: germline. Affected: yes.
Comment: The variant is not observed in the gnomAD v4.1.0 dataset. Predicted Consequence/Location: Missense variant In silico tool predictions suggest damaging effect of the variant on gene or gene product [REVEL: 0.91 (>=0.6, sensitivity 0.68 and specificity 0.92); 3Cnet: 1.00 (> 0.75, sensitivity 0.96 and precision 0.92)]. The same nucleotide change resulting in the same amino acid change has been previously reported to be associated with SCN2A-related disorder (ClinVar ID: VCV000976140 /PMID: 36672771). The variant has been previously reported as de novo in a similarly affected individual (PMID: 36672771). Therefore, this variant is classified as Likely pathogenic according to the recommendation of ACMG/AMP guideline.

Institute of Human Genetics, University of Leipzig Medical Center
Classification: Likely pathogenic for Developmental and epileptic encephalopathy, 11. Last evaluated: 2019-02-12. Review status: criteria provided, single submitter. Criteria: ACMG Guidelines, 2015. Collection method: clinical testing. Allele origin: de novo. Affected: yes. Observed: 1 variant allele.
Comment: This variant was identified as de novo (maternity and paternity confirmed).

Literature cited by the submitters: PubMed 36672771 (cited by 3billion).